The following is an entry in ClinVar:

ClinVar aggregate classification (germline): Uncertain significance (1 of 4 stars; one submission).

Conditions:
Autosomal dominant nonsyndromic hearing loss 1. Also called: DEAFNESS, AUTOSOMAL DOMINANT 1, WITH OR WITHOUT THROMBOCYTOPENIA; KONIGSMARK SYNDROME. Identifiers: Orphanet 90635, MedGen C1852282, MONDO:0007424, OMIM 124900.
Progressive microcephaly-seizures-cortical blindness-developmental delay syndrome. Also called: Seizures, cortical blindness, and microcephaly syndrome. Identifiers: Orphanet 477814, MedGen C5567650, MONDO:0014714, OMIM 616632.

Allele frequency attached by ClinVar (database versions not stated): gnomAD exomes below 0.00001.
gnomAD v4.1: 3 of 1,613,470 alleles (0.00019%); highest among the groups gnomAD compares: African/African-American, 0.0013%; no homozygotes.

Submission:

Labcorp Genetics (formerly Invitae), Labcorp
Classification: Uncertain significance for Progressive microcephaly-seizures-cortical blindness-developmental delay syndrome; Autosomal dominant nonsyndromic hearing loss 1. Last evaluated: 2024-10-16. Review status: criteria provided, single submitter. Criteria: Invitae Variant Classification Sherloc (09022015). Collection method: clinical testing. Allele origin: germline.
Comment: This sequence change replaces glycine, which is neutral and non-polar, with aspartic acid, which is acidic and polar, at codon 746 of the DIAPH1 protein (p.Gly746Asp). This variant is present in population databases (no rsID available, gnomAD 0.007%). This variant has not been reported in the literature in individuals affected with DIAPH1-related conditions. ClinVar contains an entry for this variant (Variation ID: 1433085). Experimental studies and prediction algorithms are not available or were not evaluated, and the functional significance of this variant is currently unknown. In summary, the available evidence is currently insufficient to determine the role of this variant in disease. Therefore, it has been classified as a Variant of Uncertain Significance.

NM_005219.5(DIAPH1):c.2237G>A (p.Gly746Asp)

Gene: DIAPH1 (diaphanous related formin 1; minus strand). Cytogenetic location: 5q31.3.
Variant type: single nucleotide variant.
Coding change: c.2237G>A on transcript NM_005219.5 (MANE Select); coding-DNA position 2237, G replaced by A.
Protein change: p.Gly746Asp; replaces glycine 746 with aspartic acid.
Molecular consequence: missense variant.
Genome position (GRCh38, 1-based): chr5:141,573,613, C>T on the plus strand (G>A on the coding strand, the complement: DIAPH1 is on the minus strand). VCF-style: chr5-141573613-C-T. GRCh37 (hg19) VCF-style: chr5-140953180-C-T.
Other names: c.2210G>A, p.Gly737Asp (NM_001079812.3); c.2237G>A, p.Gly746Asp (NM_001314007.2); short protein forms G737D, G746D.
Identifiers: ClinVar variation 1433085 (VCV001433085.8), dbSNP rs1267697203, ClinGen allele CA361517032.